The following is an entry in ClinVar:

NM_001008801.2(ZNF468):c.1408A>G (p.Asn470Asp)

Gene: ZNF468 (zinc finger protein 468; minus strand). Cytogenetic location: 19q13.41.
Variant type: single nucleotide variant.
Coding change: c.1408A>G on transcript NM_001008801.2 (MANE Select); coding-DNA position 1408, A replaced by G.
Protein change: p.Asn470Asp; replaces asparagine 470 with aspartic acid.
Molecular consequence: missense variant. On other transcripts: 3 prime UTR variant (1), non-coding transcript variant (3).
Genome position (GRCh38, 1-based): chr19:52,840,886, T>C on the plus strand (A>G on the coding strand, the complement: ZNF468 is on the minus strand). VCF-style: chr19-52840886-T-C. GRCh37 (hg19) VCF-style: chr19-53344139-T-C.
Other names: c.*1142A>G (NM_001277120.2); short protein forms N470D.
Identifiers: ClinVar variation 2454960 (VCV002454960.3), dbSNP rs143445320, ClinGen allele CA9628291.
Genomic context (GRCh38, chr19:52,840,886, plus strand): 5'-TATGAAGCCTACGATGGATTATAAGCGATGATGTCTGACCGAAGGTCTTGCCACACTCAT[T>C]ACACTTGTAAGGTTTCTCTCCAGTATGAACTCTCTGATGTTGTGCCAGGTGTGAATCCCT-3'
Protein context (NP_001008801.1, residues 460-480): VHTGEKPYKC[Asn470Asp]ECGKTFGQTS

ClinVar aggregate classification (germline): Uncertain significance (1 of 4 stars; one submission).

Allele frequency attached by ClinVar (database versions not stated): ESP Exome Variant Server 0.00054; 1000 Genomes Project 0.00020; TOPMed 0.00035; 1000 Genomes Project 30x 0.00031; ExAC 0.00023; gnomAD 0.00038; gnomAD exomes 0.00068.
gnomAD v4.1: 1,069 of 1,613,942 alleles (0.066%); highest among the groups gnomAD compares: Non-Finnish European, 0.085%; 1 homozygote.

Submission:

Ambry Genetics
Classification: Uncertain significance. Last evaluated: 2026-05-06. Review status: criteria provided, single submitter. Criteria: Ambry Variant Classification Scheme 2023. Collection method: clinical testing. Allele origin: germline.
Comment: The c.1408A>G (p.N470D) alteration is located in exon 4 (coding exon 3) of the ZNF468 gene. This alteration results from a A to G substitution at nucleotide position 1408, causing the asparagine (N) at amino acid position 470 to be replaced by an aspartic acid (D). Based on data from gnomAD, the G allele has an overall frequency of 0.028% (79/282654) total alleles studied. The highest observed frequency was 0.054% (69/129040) of European (non-Finnish) alleles. Based on insufficient or conflicting evidence, the clinical significance of this alteration remains unclear.